The following is an entry in ClinVar:

NM_006231.4(POLE):c.6509G>A (p.Cys2170Tyr)

Gene: POLE (DNA polymerase epsilon, catalytic subunit; minus strand). Cytogenetic location: 12q24.33.
Variant type: single nucleotide variant.
Coding change: c.6509G>A on transcript NM_006231.4 (MANE Select); coding-DNA position 6509, G replaced by A.
Protein change: p.Cys2170Tyr; replaces cysteine 2170 with tyrosine.
Molecular consequence: missense variant.
Genome position (GRCh38, 1-based): chr12:132,626,139, C>T on the plus strand (G>A on the coding strand, the complement: POLE is on the minus strand). VCF-style: chr12-132626139-C-T. GRCh37 (hg19) VCF-style: chr12-133202725-C-T.
Other names: short protein forms C2170Y.
Identifiers: ClinVar variation 1063250 (VCV001063250.12), dbSNP rs2138430505, ClinGen allele CA387367191.

ClinVar aggregate classification (germline): Uncertain significance. Review status: criteria provided, multiple submitters, no conflicts (2 of 4 stars). 2 submissions from 2 submitters: Uncertain significance (2). Last evaluated 2025-09-04.

Conditions:
Hereditary cancer-predisposing syndrome. Also called: Hereditary Cancer Syndrome; Hereditary neoplastic syndrome; Neoplastic Syndromes, Hereditary; Tumor predisposition. Identifiers: Orphanet 140162, MedGen C0027672, MeSH D009386, MONDO:0015356.

Allele frequency attached by ClinVar (database versions not stated): gnomAD exomes below 0.00001.
gnomAD v4.1: 1 of 1,605,584 alleles (0.000062%); highest among the groups gnomAD compares: Non-Finnish European, 0.000085%; no homozygotes.

Submissions (2):

Labcorp Genetics (formerly Invitae), Labcorp
Classification: Uncertain significance. Last evaluated: 2025-09-04. Review status: criteria provided, single submitter. Criteria: Invitae Variant Classification Sherloc (09022015). Collection method: clinical testing. Allele origin: germline.
Comment: This sequence change replaces cysteine, which is neutral and slightly polar, with tyrosine, which is neutral and polar, at codon 2170 of the POLE protein (p.Cys2170Tyr). This variant is not present in population databases (gnomAD no frequency). This variant has not been reported in the literature in individuals affected with POLE-related conditions. ClinVar contains an entry for this variant (Variation ID: 1063250). Invitae Evidence Modeling of protein sequence and biophysical properties (such as structural, functional, and spatial information, amino acid conservation, physicochemical variation, residue mobility, and thermodynamic stability) indicates that this missense variant is expected to disrupt POLE protein function with a positive predictive value of 80%. In summary, the available evidence is currently insufficient to determine the role of this variant in disease. Therefore, it has been classified as a Variant of Uncertain Significance.

Ambry Genetics
Classification: Uncertain significance for Hereditary cancer-predisposing syndrome. Last evaluated: 2025-07-24. Review status: criteria provided, single submitter. Criteria: Ambry Variant Classification Scheme 2023. Collection method: clinical testing. Allele origin: germline.
Comment: The p.C2170Y variant (also known as c.6509G>A), located in coding exon 46 of the POLE gene, results from a G to A substitution at nucleotide position 6509. The cysteine at codon 2170 is replaced by tyrosine, an amino acid with highly dissimilar properties. This amino acid position is conserved. In addition, this alteration is predicted to be deleterious by in silico analysis. Since supporting evidence is limited at this time, the clinical significance of this alteration remains unclear.